The following is an entry in ClinVar:

NM_001927.4(DES):c.517C>G (p.Arg173Gly)

Gene: DES (desmin; plus strand). Cytogenetic location: 2q35.
Variant type: single nucleotide variant.
Coding change: c.517C>G on transcript NM_001927.4 (MANE Select); coding-DNA position 517, C replaced by G.
Protein change: p.Arg173Gly; replaces arginine 173 with glycine.
Molecular consequence: missense variant. On other transcripts: intron variant (1).
Genome position (GRCh38, 1-based): chr2:219,418,979, C>G. VCF-style: chr2-219418979-C-G. GRCh37 (hg19) VCF-style: chr2-220283701-C-G.
Other names: c.517C>G, p.Arg173Gly (NM_001382708.1, NM_001382709.1, NM_001382710.1 and 2 more transcripts); c.495+22C>G (NM_001382713.1); short protein forms R173G.
Identifiers: ClinVar variation 2006854 (VCV002006854.4), dbSNP rs752944882, ClinGen allele CA350686826.

ClinVar aggregate classification (germline): Uncertain significance (1 of 4 stars; one submission).

Conditions:
Desmin-related myofibrillar myopathy (MFM1). Also called: Myofibrillar myopathy 1; MYOFIBRILLAR MYOPATHY WITH ARRHYTHMOGENIC RIGHT VENTRICULAR CARDIOMYOPATHY; DESMIN-RELATED MYOPATHY WITH ARRHYTHMOGENIC RIGHT VENTRICULAR CARDIOMYOPATHY; Desminopathy; Desmin related myopathy (former name); Desmin storage myopathy (former name). Identifiers: Orphanet 363543, Orphanet 98909, MedGen C1832370, MONDO:0011076, OMIM 601419.

Submission:

Labcorp Genetics (formerly Invitae), Labcorp
Classification: Uncertain significance for Desmin-related myofibrillar myopathy. Last evaluated: 2022-07-29. Review status: criteria provided, single submitter. Criteria: Invitae Variant Classification Sherloc (09022015). Collection method: clinical testing. Allele origin: germline.
Comment: In summary, the available evidence is currently insufficient to determine the role of this variant in disease. Therefore, it has been classified as a Variant of Uncertain Significance. Algorithms developed to predict the effect of missense changes on protein structure and function are either unavailable or do not agree on the potential impact of this missense change (SIFT: "Deleterious"; PolyPhen-2: "Probably Damaging"; Align-GVGD: "Class C0"). This sequence change replaces arginine, which is basic and polar, with glycine, which is neutral and non-polar, at codon 173 of the DES protein (p.Arg173Gly). This variant is not present in population databases (gnomAD no frequency). This variant has not been reported in the literature in individuals affected with DES-related conditions.